The following is an entry in ClinVar:

NM_000032.5(ALAS2):c.1297G>A (p.Glu433Lys)

Gene: ALAS2 (5'-aminolevulinate synthase 2; minus strand). Cytogenetic location: Xp11.21.
Variant type: single nucleotide variant.
Coding change: c.1297G>A on transcript NM_000032.5 (MANE Select); coding-DNA position 1297, G replaced by A.
Protein change: p.Glu433Lys; replaces glutamic acid 433 with lysine.
Molecular consequence: missense variant.
Genome position (GRCh38, 1-based): chrX:55,014,887, C>T on the plus strand (G>A on the coding strand, the complement: ALAS2 is on the minus strand). VCF-style: chrX-55014887-C-T. GRCh37 (hg19) VCF-style: chrX-55041320-C-T.
Other names: c.1186G>A, p.Glu396Lys (NM_001037967.4); c.1258G>A, p.Glu420Lys (NM_001037968.4); short protein forms E396K, E420K, E433K.
Identifiers: ClinVar variation 1517765 (VCV001517765.6), dbSNP rs755107298, ClinGen allele CA10428319.

ClinVar aggregate classification (germline): Uncertain significance (1 of 4 stars; one submission).

Allele frequency attached by ClinVar (database versions not stated): gnomAD 0.00001; ExAC 0.00002; gnomAD exomes 0.00002 and 0.00003.
gnomAD v4.1: 28 of 1,206,750 alleles (0.0023%); highest among the groups gnomAD compares: Non-Finnish European, 0.0031%; no homozygotes.

Submission:

Labcorp Genetics (formerly Invitae), Labcorp
Classification: Uncertain significance. Last evaluated: 2025-12-11. Review status: criteria provided, single submitter. Criteria: Invitae Variant Classification Sherloc (09022015). Collection method: clinical testing. Allele origin: germline.
Comment: This sequence change replaces glutamic acid, which is acidic and polar, with lysine, which is basic and polar, at codon 433 of the ALAS2 protein (p.Glu433Lys). This variant is present in population databases (rs755107298, gnomAD 0.004%). This variant has not been reported in the literature in individuals affected with ALAS2-related conditions. ClinVar contains an entry for this variant (Variation ID: 1517765). Invitae Evidence Modeling of protein sequence and biophysical properties (such as structural, functional, and spatial information, amino acid conservation, physicochemical variation, residue mobility, and thermodynamic stability) indicates that this missense variant is not expected to disrupt ALAS2 protein function with a negative predictive value of 95%. In summary, the available evidence is currently insufficient to determine the role of this variant in disease. Therefore, it has been classified as a Variant of Uncertain Significance.